The following is an entry in ClinVar:

ClinVar aggregate classification (germline): Uncertain significance (1 of 4 stars; one submission).

Allele frequency attached by ClinVar (database versions not stated): gnomAD exomes below 0.00001.
gnomAD v4.1: 2 of 1,614,018 alleles (0.00012%); highest among the groups gnomAD compares: Admixed American, 0.0017%; no homozygotes.

Submission:

Labcorp Genetics (formerly Invitae), Labcorp
Classification: Uncertain significance. Last evaluated: 2022-05-29. Review status: criteria provided, single submitter. Criteria: Invitae Variant Classification Sherloc (09022015). Collection method: clinical testing. Allele origin: germline.
Comment: This sequence change replaces methionine, which is neutral and non-polar, with isoleucine, which is neutral and non-polar, at codon 2269 of the HERC1 protein (p.Met2269Ile). This variant is present in population databases (no rsID available, gnomAD 0.003%). This variant has not been reported in the literature in individuals affected with HERC1-related conditions. Algorithms developed to predict the effect of missense changes on protein structure and function (SIFT, PolyPhen-2, Align-GVGD) all suggest that this variant is likely to be tolerated. In summary, the available evidence is currently insufficient to determine the role of this variant in disease. Therefore, it has been classified as a Variant of Uncertain Significance.

NM_003922.4(HERC1):c.6807G>A (p.Met2269Ile)

Gene: HERC1 (HECT and RLD domain containing E3 ubiquitin protein ligase family member 1; minus strand). Cytogenetic location: 15q22.31.
Variant type: single nucleotide variant.
Coding change: c.6807G>A on transcript NM_003922.4 (MANE Select); coding-DNA position 6807, G replaced by A.
Protein change: p.Met2269Ile; replaces methionine 2269 with isoleucine.
Molecular consequence: missense variant.
Genome position (GRCh38, 1-based): chr15:63,678,108, C>T on the plus strand (G>A on the coding strand, the complement: HERC1 is on the minus strand). VCF-style: chr15-63678108-C-T. GRCh37 (hg19) VCF-style: chr15-63970307-C-T.
Other names: short protein forms M2269I.
Identifiers: ClinVar variation 2000542 (VCV002000542.4), dbSNP rs945208143, ClinGen allele CA392738787.
Genomic context (GRCh38, chr15:63,678,108, plus strand): 5'-AGCGAGGCCATGCCTAGTATGTTTACCTTTCTCTTCCTCTTTGCTCTCCTTCTCCTCTCT[C>T]ATTTCATTTTCCTCTCGGCTCTGAACCGAGCGGCTTTTCTTTAGCTTCTGACCTGACTCT-3'
Protein context (NP_003913.3, residues 2259-2279): RSVQSREENE[Met2269Ile]REEKESKEEE